The following is an entry in ClinVar:

NM_000492.4(CFTR):c.1488G>T (p.Trp496Cys)

Genes: CFTR (CF transmembrane conductance regulator; plus strand), CFTR-AS1 (CFTR antisense RNA 1; minus strand). Cytogenetic location: 7q31.2.
Variant type: single nucleotide variant.
Coding change: c.1488G>T on transcript NM_000492.4 (MANE Select); coding-DNA position 1488, G replaced by T.
Protein change: p.Trp496Cys; replaces tryptophan 496 with cysteine.
Molecular consequence: missense variant.
Genome position (GRCh38, 1-based): chr7:117,559,559, G>T. VCF-style: chr7-117559559-G-T. GRCh37 (hg19) VCF-style: chr7-117199613-G-T.
Other names: short protein forms W496C.
Identifiers: ClinVar variation 4688712 (VCV004688712.1).

ClinVar aggregate classification (germline): Uncertain significance (1 of 4 stars; one submission).

gnomAD v4.1: 1 of 1,612,162 alleles (0.000062%); highest among the groups gnomAD compares: South Asian, 0.0011%; no homozygotes.

Submission:

Women's Health and Genetics/Laboratory Corporation of America, LabCorp
Classification: Uncertain significance. Last evaluated: 2025-12-01. Review status: criteria provided, single submitter. Criteria: LabCorp Variant Classification Summary - May 2015. Collection method: clinical testing. Allele origin: germline.
Comment: Variant summary: CFTR c.1488G>T (p.Trp496Cys) results in a non-conservative amino acid change in the encoded protein sequence. Algorithms developed to predict the effect of missense changes on protein structure and function all suggest that this variant is likely to be disruptive. The variant was absent in 251324 control chromosomes. The available data on variant occurrences in the general population are insufficient to allow any conclusion about variant significance. c.1488G>T has been observed in the presumed heterozygous state in at least 2 individual(s) affected with chronic pancreatitis (example, Zou_2018). These report(s) do not provide unequivocal conclusions about association of the variant with CFTR-Related Diseases. To our knowledge, no experimental evidence demonstrating an impact on protein function has been reported. The following publications have been ascertained in the context of this evaluation (PMID: 28640808, 30420730, 18305154). No submitters have cited clinical-significance assessments for this variant to ClinVar. Based on the evidence outlined above, the variant was classified as uncertain significance.

Literature cited by the submitters: PubMed 18305154; PubMed 30420730; PubMed 28640808.